The following is an entry in ClinVar:

ClinVar aggregate classification (germline): Pathogenic (1 of 4 stars; one submission).

Submission:

Labcorp Genetics (formerly Invitae), Labcorp
Classification: Pathogenic. Last evaluated: 2022-02-10. Review status: criteria provided, single submitter. Criteria: Invitae Variant Classification Sherloc (09022015). Collection method: clinical testing. Allele origin: germline.
Comment: For these reasons, this variant has been classified as Pathogenic. This variant has not been reported in the literature in individuals affected with TSEN54-related conditions. This variant is not present in population databases (gnomAD no frequency). This sequence change creates a premature translational stop signal (p.Gln35Profs*147) in the TSEN54 gene. It is expected to result in an absent or disrupted protein product. Loss-of-function variants in TSEN54 are known to be pathogenic (PMID: 18711368, 20952379).

Literature cited by the submitters: PubMed 18711368; PubMed 20952379.

NM_207346.3(TSEN54):c.103dup (p.Gln35fs)

Gene: TSEN54 (tRNA splicing endonuclease subunit 54; plus strand). Cytogenetic location: 17q25.1.
Variant type: Duplication.
Coding change: c.103dup on transcript NM_207346.3 (MANE Select); coding-DNA position 103, one base duplicated (C; older notation c.103dupC).
Protein change: p.Gln35fs; shifts the reading frame from glutamine 35.
Molecular consequence: frameshift variant.
Genome position (GRCh38, 1-based): chr17:75,516,792, C duplicated; the last of 4 consecutive C bases (chr17:75,516,789-75,516,792); duplicating any one gives the same sequence. VCF-style (leftmost placement, unchanged base first): chr17-75516788-G-GC. GRCh37 (hg19) VCF-style: chr17-73512869-G-GC.
Other names: short protein forms Q35fs.
Identifiers: ClinVar variation 1395769 (VCV001395769.6), dbSNP rs2147005509, ClinGen allele CA2573154899.